The following is an entry in ClinVar:

NM_017561.2(NUTM2F):c.1971C>T (p.Ser657=)

Gene: NUTM2F (NUT family member 2F; minus strand). Cytogenetic location: 9q22.32.
Variant type: single nucleotide variant.
Coding change: c.1971C>T on transcript NM_017561.2 (MANE Select); coding-DNA position 1971, C replaced by T.
Protein change: p.Ser657=; no amino-acid change (serine 657 retained).
Molecular consequence: synonymous variant.
Genome position (GRCh38, 1-based): chr9:94,318,765, G>A on the plus strand (C>T on the coding strand, the complement: NUTM2F is on the minus strand). VCF-style: chr9-94318765-G-A. GRCh37 (hg19) VCF-style: chr9-97081047-G-A.
Identifiers: ClinVar variation 2659317 (VCV002659317.24), dbSNP rs1489351634, ClinGen allele CA466350398.

ClinVar aggregate classification (germline): Likely benign (1 of 4 stars; one submission).

Submission:

CeGaT Center for Human Genetics Tuebingen
Classification: Likely benign. Last evaluated: 2024-02-01. Review status: criteria provided, single submitter. Criteria: CeGaT Center For Human Genetics Tuebingen Variant Classification Criteria Version 2. Collection method: clinical testing. Allele origin: germline. Affected: yes. Observed: 1 variant allele.
Comment: NUTM2F: PM2:Supporting, BP4, BP7